The following is an entry in ClinVar:

NM_144631.6(ZNF513):c.400G>A (p.Gly134Arg)

Gene: ZNF513 (zinc finger protein 513; minus strand). Cytogenetic location: 2p23.3.
Variant type: single nucleotide variant.
Coding change: c.400G>A on transcript NM_144631.6 (MANE Select); coding-DNA position 400, G replaced by A.
Protein change: p.Gly134Arg; replaces glycine 134 with arginine.
Molecular consequence: missense variant.
Genome position (GRCh38, 1-based): chr2:27,378,866, C>T on the plus strand (G>A on the coding strand, the complement: ZNF513 is on the minus strand). VCF-style: chr2-27378866-C-T. GRCh37 (hg19) VCF-style: chr2-27601733-C-T.
Other names: c.214G>A, p.Gly72Arg (NM_001201459.2); short protein forms G134R, G72R.
Identifiers: ClinVar variation 967491 (VCV000967491.10), dbSNP rs771951394, ClinGen allele CA1578064.

ClinVar aggregate classification (germline): Uncertain significance. Review status: criteria provided, multiple submitters, no conflicts (2 of 4 stars). 2 submissions from 2 submitters: Uncertain significance (2). Last evaluated 2025-08-27.

Allele frequency attached by ClinVar (database versions not stated): gnomAD exomes 0.00001; ExAC 0.00002; gnomAD 0.00002; TOPMed 0.00002.
gnomAD v4.1: 13 of 1,604,094 alleles (0.00081%); highest among the groups gnomAD compares: African/African-American, 0.0013%; no homozygotes.

Submissions (2):

Ambry Genetics
Classification: Uncertain significance. Last evaluated: 2025-08-27. Review status: criteria provided, single submitter. Criteria: Ambry Variant Classification Scheme 2023. Collection method: clinical testing. Allele origin: germline.

Labcorp Genetics (formerly Invitae), Labcorp
Classification: Uncertain significance. Last evaluated: 2024-02-24. Review status: criteria provided, single submitter. Criteria: Invitae Variant Classification Sherloc (09022015). Collection method: clinical testing. Allele origin: germline.
Comment: This sequence change replaces glycine, which is neutral and non-polar, with arginine, which is basic and polar, at codon 134 of the ZNF513 protein (p.Gly134Arg). This variant is present in population databases (rs771951394, gnomAD 0.008%). This variant has not been reported in the literature in individuals affected with ZNF513-related conditions. ClinVar contains an entry for this variant (Variation ID: 967491). An algorithm developed to predict the effect of missense changes on protein structure and function (PolyPhen-2) suggests that this variant is likely to be disruptive. In summary, the available evidence is currently insufficient to determine the role of this variant in disease. Therefore, it has been classified as a Variant of Uncertain Significance.